The following is an entry in ClinVar:

NM_001844.5(COL2A1):c.762+5G>A

Gene: COL2A1 (collagen type II alpha 1 chain; minus strand). Cytogenetic location: 12q13.11.
Variant type: single nucleotide variant.
Coding change: c.762+5G>A on transcript NM_001844.5 (MANE Select); 5 bases into the intron after coding-DNA position 762, G replaced by A.
Molecular consequence: intron variant.
Genome position (GRCh38, 1-based): chr12:47,995,250, C>T on the plus strand (G>A on the coding strand, the complement: COL2A1 is on the minus strand). VCF-style: chr12-47995250-C-T. GRCh37 (hg19) VCF-style: chr12-48389033-C-T.
Other names: c.555+5G>A (NM_033150.3).
Identifiers: ClinVar variation 2735846 (VCV002735846.4), dbSNP rs2540172615, ClinGen allele CA2695216319.
Genomic context (GRCh38, chr12:47,995,250, plus strand): 5'-CACACACCCTCTCCAGGCCCTTTCAAAGGAGGCAGCTCCTCATTTGTCTACTCGTGTATA[C>T]TCACATCATCACCAGGCTTTCCAGGGGGACCAGGAGGACCACGGGGACCCATGGGACCCT-3'

ClinVar aggregate classification (germline): Pathogenic. Review status: criteria provided, multiple submitters, no conflicts (2 of 4 stars). 2 submissions from 2 submitters: Pathogenic (2). Last evaluated 2025-03-31.

Submissions (2):

Labcorp Genetics (formerly Invitae), Labcorp
Classification: Pathogenic. Last evaluated: 2025-03-31. Review status: criteria provided, single submitter. Criteria: Invitae Variant Classification Sherloc (09022015). Collection method: clinical testing. Allele origin: germline.
Comment: This sequence change falls in intron 11 of the COL2A1 gene. It does not directly change the encoded amino acid sequence of the COL2A1 protein. It affects a nucleotide within the consensus splice site. This variant is not present in population databases (gnomAD no frequency). This variant has been observed in individual(s) with Stickler syndrome (PMID: 27408751; internal data). It has also been observed to segregate with disease in related individuals. ClinVar contains an entry for this variant (Variation ID: 2735846). Variants that disrupt the consensus splice site are a relatively common cause of aberrant splicing (PMID: 17576681, 9536098). Studies have shown that this variant is associated with altered splicing resulting in multiple RNA products (PMID: 38246255). For these reasons, this variant has been classified as Pathogenic.

GeneDx
Classification: Pathogenic. Last evaluated: 2024-03-26. Review status: criteria provided, single submitter. Criteria: GeneDx Variant Classification Process June 2021. Collection method: clinical testing. Allele origin: germline. Affected: yes.
Comment: Non-canonical splice site variant demonstrated to result in loss of function (PMID: 38246255); Not observed at significant frequency in large population cohorts (gnomAD); This variant is associated with the following publications: (PMID: 27408751, 38246255)

Literature cited by the submitters: PubMed 27408751 (cited by Labcorp Genetics (formerly Invitae), Labcorp); PubMed 17576681 (cited by Labcorp Genetics (formerly Invitae), Labcorp); PubMed 9536098 (cited by Labcorp Genetics (formerly Invitae), Labcorp); PubMed 38246255 (cited by Labcorp Genetics (formerly Invitae), Labcorp).